The following is an entry in ClinVar:

ClinVar aggregate classification (germline): Benign/Likely benign. Review status: criteria provided, multiple submitters, no conflicts (2 of 4 stars). 9 submissions from 8 submitters: Benign (4); Likely benign (5). Last evaluated 2026-01-12.

Conditions:
Autosomal dominant nonsyndromic hearing loss 23. Identifiers: Orphanet 90635, MedGen C1854594, MONDO:0011519, OMIM 605192.
Branchiootic syndrome 3 (BOS3). Also called: BO SYNDROME 3. Identifiers: MedGen C1842124, MONDO:0012025, OMIM 608389.
Branchiootorenal syndrome 1. Also called: Branchio-Oto-Renal Syndrome 1. Identifiers: Orphanet 107, MedGen C4551702, MONDO:0007236, OMIM 113650.

Allele frequency attached by ClinVar (database versions not stated): ESP Exome Variant Server 0.00015; gnomAD exomes 0.00023 and 0.00031; ExAC 0.00031; gnomAD 0.00031 and 0.00033; TOPMed 0.00046; 1000 Genomes Project 30x 0.00078; 1000 Genomes Project 0.00080.
gnomAD v4.1: 400 of 1,613,950 alleles (0.025%); highest among the groups gnomAD compares: Middle Eastern, 1.4%; 4 homozygotes.

Submissions (9):

Labcorp Genetics (formerly Invitae), Labcorp
Classification: Benign for Autosomal dominant nonsyndromic hearing loss 23; Branchiootic syndrome 3. Last evaluated: 2026-01-12. Review status: criteria provided, single submitter. Criteria: Invitae Variant Classification Sherloc (09022015). Collection method: clinical testing. Allele origin: germline.

CeGaT Center for Human Genetics Tuebingen
Classification: Likely benign. Last evaluated: 2025-12-01. Review status: criteria provided, single submitter. Criteria: CeGaT Center For Human Genetics Tuebingen Variant Classification Criteria Version 2. Collection method: clinical testing. Allele origin: germline. Affected: yes. Observed: 2 variant alleles.
Comment: SIX1: BP4, BP7

Blueprint Genetics
Classification: Likely benign. Last evaluated: 2024-10-18. Review status: criteria provided, single submitter. Criteria: ACMG Guidelines, 2015. Collection method: clinical testing. Allele origin: germline.

Fulgent Genetics
Classification: Likely benign for Branchiootorenal syndrome 1; Autosomal dominant nonsyndromic hearing loss 23; Branchiootic syndrome 3. Last evaluated: 2021-09-28. Review status: criteria provided, single submitter. Criteria: ACMG Guidelines, 2015. Collection method: clinical testing. Allele origin: unknown.

GeneDx
Classification: Benign. Last evaluated: 2018-09-10. Review status: criteria provided, single submitter. Criteria: GeneDx Variant Classification Process June 2021. Collection method: clinical testing. Allele origin: germline. Affected: yes.

Illumina Laboratory Services, Illumina
Classification: Benign for Branchiootic syndrome 3. Last evaluated: 2018-01-12. Review status: criteria provided, single submitter. Criteria: ICSL Variant Classification Criteria 13 December 2019. Collection method: clinical testing. Allele origin: germline.
Comment: This variant was observed in the ICSL laboratory as part of a predisposition screen in an ostensibly healthy population. It had not been previously curated by ICSL or reported in the Human Gene Mutation Database (HGMD: prior to June 1st, 2018), and was therefore a candidate for classification through an automated scoring system. Utilizing variant allele frequency, disease prevalence and penetrance estimates, and inheritance mode, an automated score was calculated to assess if this variant is too frequent to cause the disease. Based on the score and internal cut-off values, a variant classified as benign is not then subjected to further curation. The score for this variant resulted in a classification of benign for this disease.

Illumina Laboratory Services, Illumina
Classification: Likely benign for Autosomal dominant nonsyndromic hearing loss 23. Last evaluated: 2018-01-12. Review status: criteria provided, single submitter. Criteria: ICSL Variant Classification Criteria 13 December 2019. Collection method: clinical testing. Allele origin: germline.
Comment: This variant was observed in the ICSL laboratory as part of a predisposition screen in an ostensibly healthy population. It had not been previously curated by ICSL or reported in the Human Gene Mutation Database (HGMD: prior to June 1st, 2018), and was therefore a candidate for classification through an automated scoring system. Utilizing variant allele frequency, disease prevalence and penetrance estimates, and inheritance mode, an automated score was calculated to assess if this variant is too frequent to cause the disease. Based on the score and internal cut-off values, a variant classified as likely benign is not then subjected to further curation. The score for this variant resulted in a classification of likely benign for this disease.

Laboratory for Molecular Medicine, Mass General Brigham Personalized Medicine
Classification: Benign. Last evaluated: 2015-07-02. Review status: criteria provided, single submitter. Criteria: LMM Criteria. Collection method: clinical testing. Allele origin: germline. Observed: 2 variant alleles.
Comment: p.Ala54Ala in exon 1 of SIX1: This variant is not expected to have clinical sign ificance because it does not alter an amino acid residue and is not located with in the splice consensus sequence. It has been identified in 0.1% (15/11556) of L atino chromosomes by the Exome Aggregation Consortium (dbSNP rs150550985).

Breakthrough Genomics
Classification: Likely benign. Review status: criteria provided, single submitter. Criteria: ACMG Guidelines, 2015. Collection method: not provided. Allele origin: germline. Inheritance: Autosomal dominant inheritance. Affected: yes.

NM_005982.4(SIX1):c.162G>A (p.Ala54=)

Gene: SIX1 (SIX homeobox 1; minus strand). Cytogenetic location: 14q23.1.
Variant type: single nucleotide variant.
Coding change: c.162G>A on transcript NM_005982.4 (MANE Select); coding-DNA position 162, G replaced by A.
Protein change: p.Ala54=; no amino-acid change (alanine 54 retained).
Molecular consequence: synonymous variant.
Genome position (GRCh38, 1-based): chr14:60,649,028, C>T on the plus strand (G>A on the coding strand, the complement: SIX1 is on the minus strand). VCF-style: chr14-60649028-C-T. GRCh37 (hg19) VCF-style: chr14-61115746-C-T.
Identifiers: ClinVar variation 227075 (VCV000227075.46), dbSNP rs150550985, ClinGen allele CA7212852.